The following is an entry in ClinVar:

NM_000494.4(COL17A1):c.2848C>T (p.Gln950Ter)

Gene: COL17A1 (collagen type XVII alpha 1 chain; minus strand). Cytogenetic location: 10q25.1.
Variant type: single nucleotide variant.
Coding change: c.2848C>T on transcript NM_000494.4 (MANE Select); coding-DNA position 2848, C replaced by T.
Protein change: p.Gln950Ter; replaces glutamine 950 with a stop codon.
Molecular consequence: nonsense.
Genome position (GRCh38, 1-based): chr10:104,039,493, G>A on the plus strand (C>T on the coding strand, the complement: COL17A1 is on the minus strand). VCF-style: chr10-104039493-G-A. GRCh37 (hg19) VCF-style: chr10-105799251-G-A.
Other names: short protein forms Q950*.
Identifiers: ClinVar variation 2699457 (VCV002699457.3), dbSNP rs1478885494, ClinGen allele CA378067846.

ClinVar aggregate classification (germline): Pathogenic (1 of 4 stars; one submission).

Allele frequency attached by ClinVar (database versions not stated): gnomAD exomes below 0.00001.
gnomAD v4.1: 3 of 1,614,092 alleles (0.00019%); highest among the groups gnomAD compares: Non-Finnish European, 0.00025%; no homozygotes.

Submission:

Labcorp Genetics (formerly Invitae), Labcorp
Classification: Pathogenic. Last evaluated: 2023-11-28. Review status: criteria provided, single submitter. Criteria: Invitae Variant Classification Sherloc (09022015). Collection method: clinical testing. Allele origin: germline.
Comment: This sequence change creates a premature translational stop signal (p.Gln950*) in the COL17A1 gene. It is expected to result in an absent or disrupted protein product. Loss-of-function variants in COL17A1 are known to be pathogenic (PMID: 16473856, 17344927, 20301304, 21357940, 24319098). This variant is present in population databases (no rsID available, gnomAD 0.0009%). This variant has not been reported in the literature in individuals affected with COL17A1-related conditions. For these reasons, this variant has been classified as Pathogenic.

Literature cited by the submitters: PubMed 16473856; PubMed 17344927; PubMed 20301304; PubMed 21357940; PubMed 24319098.